The following is an entry in ClinVar:

NM_001367721.1(CASK):c.1894C>A (p.Pro632Thr)

Gene: CASK (calcium/calmodulin dependent serine protein kinase; minus strand). Cytogenetic location: Xp11.4.
Variant type: single nucleotide variant.
Coding change: c.1894C>A on transcript NM_001367721.1 (MANE Select); coding-DNA position 1894, C replaced by A.
Protein change: p.Pro632Thr; replaces proline 632 with threonine.
Molecular consequence: missense variant.
Genome position (GRCh38, 1-based): chrX:41,553,864, G>T on the plus strand (C>A on the coding strand, the complement: CASK is on the minus strand). VCF-style: chrX-41553864-G-T. GRCh37 (hg19) VCF-style: chrX-41413117-G-T.
Other names: c.1825C>A, p.Pro609Thr (NM_001126054.3); c.1807C>A, p.Pro603Thr (NM_001126055.3); c.1876C>A, p.Pro626Thr (NM_001410745.1); c.1894C>A, p.Pro632Thr (NM_003688.4); short protein forms P603T, P609T, P626T, P632T.
Identifiers: ClinVar variation 3573651 (VCV003573651.3).

ClinVar aggregate classification (germline): Uncertain significance. Review status: criteria provided, multiple submitters, no conflicts (2 of 4 stars). 2 submissions from 2 submitters: Uncertain significance (2). Last evaluated 2025-03-10.

Conditions:
Intellectual disability, CASK-related, X-linked. Identifiers: MedGen CN043158.

Submissions (2):

Labcorp Genetics (formerly Invitae), Labcorp
Classification: Uncertain significance for Intellectual disability, CASK-related, X-linked. Last evaluated: 2025-03-10. Review status: criteria provided, single submitter. Criteria: Invitae Variant Classification Sherloc (09022015). Collection method: clinical testing. Allele origin: germline.
Comment: This sequence change replaces proline, which is neutral and non-polar, with threonine, which is neutral and polar, at codon 632 of the CASK protein (p.Pro632Thr). This variant is not present in population databases (gnomAD no frequency). This variant has not been reported in the literature in individuals affected with CASK-related conditions. ClinVar contains an entry for this variant (Variation ID: 3573651). Invitae Evidence Modeling of protein sequence and biophysical properties (such as structural, functional, and spatial information, amino acid conservation, physicochemical variation, residue mobility, and thermodynamic stability) indicates that this missense variant is not expected to disrupt CASK protein function with a negative predictive value of 80%. In summary, the available evidence is currently insufficient to determine the role of this variant in disease. Therefore, it has been classified as a Variant of Uncertain Significance.

GeneDx
Classification: Uncertain significance. Last evaluated: 2024-07-18. Review status: criteria provided, single submitter. Criteria: GeneDx Variant Classification Process June 2021. Collection method: clinical testing. Allele origin: germline. Affected: yes.
Comment: Not observed at significant frequency in large population cohorts (gnomAD); In silico analysis supports that this missense variant has a deleterious effect on protein structure/function; Has not been previously published as pathogenic or benign to our knowledge